The following is an entry in ClinVar:

NM_001148.6(ANK2):c.4519G>A (p.Val1507Ile)

Gene: ANK2 (ankyrin 2; plus strand). Cytogenetic location: 4q26.
Variant type: single nucleotide variant.
Coding change: c.4519G>A on transcript NM_001148.6 (MANE Select); coding-DNA position 4519, G replaced by A.
Protein change: p.Val1507Ile; replaces valine 1507 with isoleucine.
Molecular consequence: missense variant. On other transcripts: intron variant (68).
Genome position (GRCh38, 1-based): chr4:113,353,137, G>A. VCF-style: chr4-113353137-G-A. GRCh37 (hg19) VCF-style: chr4-114274293-G-A.
Other names: c.4285G>A, p.Val1429Ile (NM_001386142.1); c.919G>A, p.Val307Ile (NM_001386166.1); c.4660G>A, p.Val1554Ile (NM_001386174.1); c.4636G>A, p.Val1546Ile (NM_001386175.1); c.4411+2888G>A (NM_001386186.2, NM_001386148.2); c.4213+2888G>A (NM_001354269.3); c.4291+2888G>A (NM_001386187.2); c.4252+2888G>A (NM_001386147.1); and 35 more; short protein forms V1429I, V1507I, V1546I, V1554I, V307I.
Identifiers: ClinVar variation 2194313 (VCV002194313.5), dbSNP rs746288014, ClinGen allele CA3051115.
Genomic context (GRCh38, chr4:113,353,137, plus strand): 5'-CTGAAAAGTCACCTGGTTAATGAAGTTCCTGTCCTAGCAAGTCCGGACTTGCTCTCTGAA[G>A]TTTCTGAGATGAAACAAGATTTGATCAAAATGACCGCCATCTTGACCACAGATGTGTCTG-3'
Protein context (NP_001139.3, residues 1497-1517): VLASPDLLSE[Val1507Ile]SEMKQDLIKM

ClinVar aggregate classification (germline): Uncertain significance. Review status: criteria provided, multiple submitters, no conflicts (2 of 4 stars). 2 submissions from 2 submitters: Uncertain significance (2). Last evaluated 2025-07-29.

Conditions:
Long QT syndrome (LQTS). Identifiers: MedGen C0023976, MeSH D008133, MONDO:0002442. Disease mechanism: loss of function. Inheritance: Various modes of inheritance.
Cardiovascular phenotype. Identifiers: MedGen CN230736.

Allele frequency attached by ClinVar (database versions not stated): gnomAD 0.00001; TOPMed 0.00001.
gnomAD v4.1: 10 of 1,614,044 alleles (0.00062%); highest among the groups gnomAD compares: African/African-American, 0.0027%; no homozygotes.

Submissions (2):

Labcorp Genetics (formerly Invitae), Labcorp
Classification: Uncertain significance for Long QT syndrome. Last evaluated: 2025-07-29. Review status: criteria provided, single submitter. Criteria: Invitae Variant Classification Sherloc (09022015). Collection method: clinical testing. Allele origin: germline.
Comment: This sequence change replaces valine, which is neutral and non-polar, with isoleucine, which is neutral and non-polar, at codon 1507 of the ANK2 protein (p.Val1507Ile). This variant is present in population databases (rs746288014, gnomAD 0.005%). This variant has not been reported in the literature in individuals affected with ANK2-related conditions. ClinVar contains an entry for this variant (Variation ID: 2194313). An algorithm developed to predict the effect of missense changes on protein structure and function (PolyPhen-2) suggests that this variant is likely to be disruptive. In summary, the available evidence is currently insufficient to determine the role of this variant in disease. Therefore, it has been classified as a Variant of Uncertain Significance.

Ambry Genetics
Classification: Uncertain significance for Cardiovascular phenotype. Last evaluated: 2024-12-13. Review status: criteria provided, single submitter. Criteria: Ambry Variant Classification Scheme 2023. Collection method: clinical testing. Allele origin: germline.
Comment: The p.V1507I variant (also known as c.4519G>A), located in coding exon 38 of the ANK2 gene, results from a G to A substitution at nucleotide position 4519. The valine at codon 1507 is replaced by isoleucine, an amino acid with highly similar properties. This amino acid position is conserved. In addition, this alteration is predicted to be tolerated by in silico analysis. Based on the available evidence, the clinical significance of this variant remains unclear.